The following is an entry in ClinVar:

ClinVar aggregate classification (germline): Uncertain significance. Review status: criteria provided, multiple submitters, no conflicts (2 of 4 stars). 2 submissions from 2 submitters: Uncertain significance (2). Last evaluated 2023-08-15.

Conditions:
Cardiomyopathy (CMYO). Also called: Cardiomyopathies. Identifiers: Orphanet 167848, MedGen C0878544, MONDO:0004994, HP:0001638. Inheritance: Various modes of inheritance.
Catecholaminergic polymorphic ventricular tachycardia (CVPT). Also called: Catecholamine-induced polymorphic ventricular tachycardia. Identifiers: Orphanet 3286, MedGen C5574922, MONDO:0017990.

Submissions (2):

All of Us Research Program, National Institutes of Health
Classification: Uncertain significance for Catecholaminergic polymorphic ventricular tachycardia. Last evaluated: 2023-08-15. Review status: criteria provided, single submitter. Criteria: ACMG Guidelines, 2015. Collection method: clinical testing. Allele origin: germline. Inheritance: Autosomal dominant inheritance. Observed: 1 variant allele, 1 heterozygote.
Comment: This variant is located in the RYR2 protein. Computational prediction suggests that this variant may not impact protein structure and function (internally defined REVEL score threshold <= 0.5, PMID: 27666373). To our knowledge, functional studies have not been reported for this variant. This variant has not been reported in individuals affected with cardiovascular disorders in the literature. This variant has been identified in 1/248122 chromosomes in the general population by the Genome Aggregation Database (gnomAD). The available evidence is insufficient to determine the role of this variant in disease conclusively. Therefore, this variant is classified as a Variant of Uncertain Significance.

This study involves interpretation of variants in research participants for the purpose of population health screening. Participant phenotype was not available at the time of variant classification. Additional details can be found in publication PMID: 35346344, PMCID: PMC8962531

Color Diagnostics, LLC DBA Color Health
Classification: Uncertain significance for Cardiomyopathy. Last evaluated: 2021-01-20. Review status: criteria provided, single submitter. Criteria: ACMG Guidelines, 2015. Collection method: clinical testing. Allele origin: germline.
Comment: This variant is located in the RYR2 protein. Computational prediction suggests that this variant may not impact protein structure and function (internally defined REVEL score threshold <= 0.5, PMID: 27666373). To our knowledge, functional studies have not been reported for this variant. This variant has not been reported in individuals affected with cardiovascular disorders in the literature. This variant has been identified in 1/248122 chromosomes in the general population by the Genome Aggregation Database (gnomAD). The available evidence is insufficient to determine the role of this variant in disease conclusively. Therefore, this variant is classified as a Variant of Uncertain Significance.

NM_001035.3(RYR2):c.3218C>T (p.Ala1073Val)

Gene: RYR2 (ryanodine receptor 2; plus strand). Cytogenetic location: 1q43.
Variant type: single nucleotide variant.
Coding change: c.3218C>T on transcript NM_001035.3 (MANE Select); coding-DNA position 3218, C replaced by T.
Protein change: p.Ala1073Val; replaces alanine 1073 with valine.
Molecular consequence: missense variant.
Genome position (GRCh38, 1-based): chr1:237,566,570, C>T. VCF-style: chr1-237566570-C-T. GRCh37 (hg19) VCF-style: chr1-237729870-C-T.
Other names: short protein forms A1073V.
Identifiers: ClinVar variation 926914 (VCV000926914.4), dbSNP rs752172893, ClinGen allele CA345397809.